The following is an entry in ClinVar:

NM_000064.4(C3):c.1997C>T (p.Ala666Val)

Gene: C3 (complement C3; minus strand). Cytogenetic location: 19p13.3.
Variant type: single nucleotide variant.
Coding change: c.1997C>T on transcript NM_000064.4 (MANE Select); coding-DNA position 1997, C replaced by T.
Protein change: p.Ala666Val; replaces alanine 666 with valine.
Molecular consequence: missense variant.
Genome position (GRCh38, 1-based): chr19:6,707,516, G>A on the plus strand (C>T on the coding strand, the complement: C3 is on the minus strand). VCF-style: chr19-6707516-G-A. GRCh37 (hg19) VCF-style: chr19-6707527-G-A.
Other names: short protein forms A666V.
Identifiers: ClinVar variation 3584142 (VCV003584142.3).

ClinVar aggregate classification (germline): Uncertain significance. Review status: criteria provided, multiple submitters, no conflicts (2 of 4 stars). 2 submissions from 2 submitters: Uncertain significance (2). Last evaluated 2024-10-06.

Conditions:
Atypical hemolytic-uremic syndrome with C3 anomaly. Also called: AHUS, SUSCEPTIBILITY TO, 5. Identifiers: Orphanet 2134, MedGen C2752037, MONDO:0013043, OMIM 612925.
Age related macular degeneration 9. Identifiers: MedGen C1969651, MONDO:0012659, OMIM 611378.
Complement component 3 deficiency. Identifiers: Orphanet 280133, MedGen C3151071, MONDO:0013417, OMIM 613779.

gnomAD v4.1: 1 of 1,614,068 alleles (0.000062%); highest among the groups gnomAD compares: African/African-American, 0.0013%; no homozygotes.

Submissions (2):

Labcorp Genetics (formerly Invitae), Labcorp
Classification: Uncertain significance. Last evaluated: 2024-10-06. Review status: criteria provided, single submitter. Criteria: Invitae Variant Classification Sherloc (09022015). Collection method: clinical testing. Allele origin: germline.
Comment: This sequence change replaces alanine, which is neutral and non-polar, with valine, which is neutral and non-polar, at codon 666 of the C3 protein (p.Ala666Val). The frequency data for this variant in the population databases is considered unreliable, as metrics indicate poor data quality at this position in the gnomAD database. This variant has not been reported in the literature in individuals affected with C3-related conditions. An algorithm developed to predict the effect of missense changes on protein structure and function (PolyPhen-2) suggests that this variant is likely to be tolerated. In summary, the available evidence is currently insufficient to determine the role of this variant in disease. Therefore, it has been classified as a Variant of Uncertain Significance.

Fulgent Genetics
Classification: Uncertain significance for Age related macular degeneration 9; Atypical hemolytic-uremic syndrome with C3 anomaly; Complement component 3 deficiency. Last evaluated: 2024-03-04. Review status: criteria provided, single submitter. Criteria: ACMG Guidelines, 2015. Collection method: clinical testing. Allele origin: germline.